The following is an entry in ClinVar:

ClinVar aggregate classification (germline): Benign. Review status: criteria provided, multiple submitters, no conflicts (2 of 4 stars). 8 submissions from 8 submitters: Benign (6). 2 of the submissions do not count toward it. Last evaluated 2024-11-27.

Conditions:
Autosomal recessive nonsyndromic hearing loss 16. Also called: DFNB16 Nonsyndromic Hearing Loss and Deafness; DEAFNESS, AUTOSOMAL RECESSIVE 16. Identifiers: Orphanet 90636, MedGen C1863561, MONDO:0011364, OMIM 603720.

Allele frequency attached by ClinVar (database versions not stated): gnomAD exomes 0.13298 and 0.19485; ExAC 0.20174; gnomAD 0.28968 and 0.29444; ESP Exome Variant Server 0.29298; TOPMed 0.32207; 1000 Genomes Project 0.39577; 1000 Genomes Project 30x 0.40084.
gnomAD v4.1: 239,690 of 1,608,376 alleles (15%); highest among the groups gnomAD compares: African/African-American, 70%; 35,608 homozygotes.

Submissions (13):

Blueprint Genetics
Classification: Benign. Last evaluated: 2024-11-27. Review status: criteria provided, single submitter. Criteria: ACMG Guidelines, 2015. Collection method: clinical testing. Allele origin: germline.

Mayo Clinic Laboratories, Mayo Clinic
Classification: Benign. Last evaluated: 2021-05-07. Review status: criteria provided, single submitter. Criteria: ACMG Guidelines, 2015. Collection method: clinical testing. Allele origin: germline. Observed: 49 variant alleles.

GeneDx
Classification: Benign. Last evaluated: 2017-05-09. Review status: criteria provided, single submitter. Criteria: GeneDx Variant Classification (06012015). Collection method: clinical testing. Allele origin: germline. Affected: yes.
Comment: This variant is considered likely benign or benign based on one or more of the following criteria: it is a conservative change, it occurs at a poorly conserved position in the protein, it is predicted to be benign by multiple in silico algorithms, and/or has population frequency not consistent with disease.

Laboratory for Molecular Medicine, Mass General Brigham Personalized Medicine
Classification: Benign. Last evaluated: 2013-06-26. Review status: criteria provided, single submitter. Criteria: LMM Criteria. Collection method: clinical testing. Allele origin: germline. Observed: 439 variant alleles.
Comment: Phe1614Phe in Exon 25 of STRC: This variant is not expected to have clinical sig nificance because it does not alter an amino acid residue, is not located within the splice consensus sequence, has been identified in 68% (2942/4400) of Africa n American chromosomes from a broad population by the NHBLI Exon sequencing proj ect (dbSNP rs3097773).

Breakthrough Genomics
Classification: Benign. Review status: criteria provided, single submitter. Criteria: ACMG Guidelines, 2015. Collection method: not provided. Allele origin: germline. Inheritance: Autosomal recessive inheritance. Affected: yes.

Genome-Nilou Lab
Classification: Benign for Autosomal recessive nonsyndromic hearing loss 16. Review status: criteria provided, single submitter. Criteria: ACMG Guidelines, 2015. Collection method: clinical testing. Allele origin: germline.

Diagnostic Laboratory, Department of Genetics, University Medical Center Groningen
Classification: Benign. Review status: no assertion criteria provided. Collection method: clinical testing. Allele origin: germline. Affected: yes. Study: VKGL Data-share Consensus. Not counted in ClinVar's aggregate classification.

Dr. Peter K. Rogan Lab, Western University
No classification provided (evidence only). Condition: Colorectal cancer. Review status: no classification provided. Collection method: in vitro. Allele origin: not applicable. Functional consequence: retained intron. Not counted in ClinVar's aggregate classification.

Dr. Peter K. Rogan Lab, Western University
No classification provided (evidence only). Condition: Colorectal cancer. Review status: no classification provided. Collection method: in vitro. Allele origin: not applicable. Functional consequence: retained intron. Not counted in ClinVar's aggregate classification.

Dr. Peter K. Rogan Lab, Western University
No classification provided (evidence only). Condition: Malignant lymphoma, large B-cell, diffuse. Review status: no classification provided. Collection method: in vitro. Allele origin: not applicable. Functional consequence: retained intron. Not counted in ClinVar's aggregate classification.

Dr. Peter K. Rogan Lab, Western University
No classification provided (evidence only). Condition: Uterine carcinosarcoma. Review status: no classification provided. Collection method: in vitro. Allele origin: not applicable. Functional consequence: retained intron. Not counted in ClinVar's aggregate classification.

Dr. Peter K. Rogan Lab, Western University
No classification provided (evidence only). Condition: Uterine carcinosarcoma. Review status: no classification provided. Collection method: in vitro. Allele origin: not applicable. Functional consequence: retained intron. Not counted in ClinVar's aggregate classification.

Joint Genome Diagnostic Labs from Nijmegen and Maastricht, Radboudumc and MUMC+
Classification: Benign. Review status: no assertion criteria provided. Collection method: clinical testing. Allele origin: germline. Affected: yes. Study: VKGL Data-share Consensus. Not counted in ClinVar's aggregate classification.

NM_153700.2(STRC):c.4842C>T (p.Phe1614=)

Gene: STRC (stereocilin; minus strand). Cytogenetic location: 15q15.3.
Variant type: single nucleotide variant.
Coding change: c.4842C>T on transcript NM_153700.2 (MANE Select); coding-DNA position 4842, C replaced by T.
Protein change: p.Phe1614=; no amino-acid change (phenylalanine 1614 retained).
Molecular consequence: synonymous variant.
Genome position (GRCh38, 1-based): chr15:43,600,874, G>A on the plus strand (C>T on the coding strand, the complement: STRC is on the minus strand). VCF-style: chr15-43600874-G-A. GRCh37 (hg19) VCF-style: chr15-43893072-G-A.
Other names: p.Phe1614=.
Identifiers: ClinVar variation 177982 (VCV000177982.15), dbSNP rs3097773, ClinGen allele CA181122.